The following continues an entry in ClinVar:

NM_001048174.2(MUTYH):c.1063del (p.Ala357fs)

Gene: MUTYH. ClinVar aggregate classification (germline): Pathogenic/Likely pathogenic. Pathogenic (27); Likely pathogenic (2).

Submissions 22 to 39 of 39:

Sema4
Classification: Pathogenic for Hereditary cancer-predisposing syndrome. Last evaluated: 2021-05-30. Review status: criteria provided, single submitter. Criteria: Sema4 Curation Guidelines. Collection method: curation. Allele origin: germline.
Comment: The MUTYH c.1147delC (p.A385PfsX23) variant has been reported as homozygous and compound heterozygous in numerous individuals with MUTYH-associated polyposis or colorectal cancer (PMID: 12606733, 19732775, 27829682, among others). Functional studies have shown that this variant completely lacks the normal glycosylase and DNA binding activities of the protein (PMID: 18534194). It is also known as 1103delC in the literature. This variant causes a frameshift at amino acid 385 that results in premature termination 23 amino acids downstream. At this location, it is predicted to cause nonsense-mediated decay and result in an absent protein (loss of function). Loss of function variants in MUTYH are known to be pathogenic (PMID: 23035301). This variant was observed in 4/35430 chromosomes in the Latino population according to the Genome Aggregation Database (PMID: 32461654) and has been reported in ClinVar (Variation ID: 134860). Based on the current evidence available, this variant is interpreted as pathogenic.

Institute of Medical Genetics and Applied Genomics, University Hospital Tübingen
Classification: Pathogenic. Last evaluated: 2020-10-23. Review status: criteria provided, single submitter. Criteria: ACMG Guidelines, 2015. Collection method: clinical testing. Allele origin: germline. Inheritance: Unknown mechanism. Affected: yes.

Laboratory for Molecular Medicine, Mass General Brigham Personalized Medicine
Classification: Pathogenic for Familial adenomatous polyposis 2. Last evaluated: 2019-12-11. Review status: criteria provided, single submitter. Criteria: ACMG Guidelines, 2015. Collection method: clinical testing. Allele origin: germline. Inheritance: Autosomal recessive inheritance.
Comment: The p.Ala385fs variant in MUTYH has been reported in >20 individuals (1 homozygote and >20 compound heterozygotes) with MUTYH-related attenuated familial adenomatous polyposis (FAP) and segregated with disease in >6 affected relatives from 4 families (Nielsen 2009, Vogt 2009, Pin 2013, Torrezan 2013, Ruggieri 2013). It has also been identified in 0.01% (4/35430) of Latino chromosomes by gnomAD and has been reported in ClinVar (Variation ID: 134860). In vitro functional studies provide some evidence that the p.Ala385fs variant may impact protein function (Pin 2013, Ruggieri 2013). This variant is predicted to cause a frameshift, which alters the protein’s amino acid sequence beginning at position 385 and leads to a premature termination codon 23 amino acids downstream. This alteration is then predicted to lead to a truncated or absent protein. Homozygous loss of function of the MUTYH gene is an established disease mechanism in individuals with MUTYH-related attenuated FAP. In summary, this variant meets our criteria to be classified as pathogenic for MUTYH-related attenuated FAP in an autosomal recessive manner. ACMG/AMP Criteria applied: PVS1, PM3_VeryStrong, PP1_Strong.

Illumina Laboratory Services, Illumina
Classification: Pathogenic for Familial adenomatous polyposis 2. Last evaluated: 2018-10-04. Review status: criteria provided, single submitter. Criteria: ICSL Variant Classification Criteria 09 May 2019. Collection method: clinical testing. Allele origin: germline.
Comment: The MUTYH c.1105delC (p.Ala371ProfsTer23) variant causes a frameshift, and is predicted to result in premature termination of the protein. Truncating variants in the MUTYH gene are known to be disease-causing. Across five studies as a representation of the available literature, the p.Ala371ProfsTer23 variant was identified in a total of 17 individuals with polyposis including sixteen in a compound heterozygous state and one in a homozygous state (Sieber et al. 2003; Nielsen et al. 2005; Aretz et al. 2006; Middeldorp et al. 2008; Laarabi et al. 2012). The variant was absent from 223 control subjects and is reported at a frequency of 0.001212 in the European American population of the Exome Sequencing Project. Functional studies demonstrate that the p.Ala371ProfsTer23 variant results in a truncated protein expressed at <1% of wild type levels which is completely devoid of glycosylase and DNA binding activities. These results are supported by position of the variant with respect to the domain structure of the protein where the variant is predicted to cause the loss of the catalytic domain of the enzyme (Ali et al. 2008; Ruggierie et al. 2013). Based on the collective evidence, the p.Ala371ProfsTer23 variant is classified as pathogenic for MYH-associated polyposis. This variant was observed by ICSL as part of a predisposition screen in an ostensibly healthy population.

Mendelics
Classification: Pathogenic for MYH-associated polyposis. Last evaluated: 2018-07-02. Review status: criteria provided, single submitter. Criteria: Mendelics Assertion Criteria 2017. Collection method: clinical testing. Allele origin: unknown.

Genomic Research Center, Shahid Beheshti University of Medical Sciences
Classification: Likely pathogenic for Familial colorectal cancer. Last evaluated: 2017-12-18. Review status: criteria provided, single submitter. Criteria: ACMG Guidelines, 2015. Collection method: clinical testing. Allele origin: inherited. Affected: yes.

Women's Health and Genetics/Laboratory Corporation of America, LabCorp
Classification: Pathogenic for MUTYH-associated polyposis. Last evaluated: 2017-09-12. Review status: criteria provided, single submitter. Criteria: LabCorp Variant Classification Summary - May 2015. Collection method: clinical testing. Allele origin: germline.
Comment: Variant summary: The MUTYH c.1147delC (p.Ala385ProfsX23) variant results in a premature termination codon, predicted to cause a truncated or absent MUTYH protein due to nonsense mediated decay, which are commonly known mechanisms for disease. Truncations downstream of this position have been classified as pathogenic by our laboratory (e.g., c.1227_1228dupGG [p.Glu410fsX43] and c.1435G>T [p.Glu479X]). MutationTaster predicts a damaging outcome for this variant. This variant was found in 9/119682 control chromosomes at a frequency of 0.0000752, which does not exceed the estimated maximal expected allele frequency of a pathogenic MUTYH variant (0.0045644). The variant has been identified in numerous MAP patients, including homozygous family members (Vogt_2009). In addition, functional studies show that the variant is completely defective in glycosylase and DNA binding activities (Ali_2008). Multiple clinical diagnostic laboratories/reputable databases classified this variant as pathogenic. Taken together, this variant is classified as pathogenic.

Quest Diagnostics Nichols Institute San Juan Capistrano
Classification: Pathogenic. Last evaluated: 2017-03-23. Review status: criteria provided, single submitter. Criteria: Quest Diagnostics criteria. Collection method: clinical testing. Allele origin: germline.

Solve-RD Consortium
Classification: Likely pathogenic for Familial adenomatous polyposis 2. Last evaluated: 2022-06-01. Review status: no assertion criteria provided. Collection method: provider interpretation. Allele origin: inherited. Affected: yes. Not counted in ClinVar's aggregate classification.
Comment: Variant confirmed as disease-causing by referring clinical team

Variant identified during reanalysis of unsolved cases by the Solve-RD project. The Solve-RD project has received funding from the European Union’s Horizon 2020 research and innovation programme under grant agreement No 779257.

Counsyl
Classification: Pathogenic for Familial adenomatous polyposis 2. Last evaluated: 2015-11-06. Review status: no assertion criteria provided. Collection method: clinical testing. Allele origin: unknown. Not counted in ClinVar's aggregate classification.

Pathway Genomics
Classification: Pathogenic for Carcinoma of colon. Last evaluated: 2014-07-24. Review status: no assertion criteria provided. Collection method: clinical testing. Allele origin: germline. Not counted in ClinVar's aggregate classification.

ITMI
No classification provided. Condition: AllHighlyPenetrant. Last evaluated: 2013-09-19. Review status: no classification provided. Collection method: reference population. Allele origin: germline. Not counted in ClinVar's aggregate classification.
Comment: Please see associated publication for description of ethnicities

Clinical Genetics DNA and cytogenetics Diagnostics Lab, Erasmus MC, Erasmus Medical Center
Classification: Pathogenic. Review status: no assertion criteria provided. Collection method: clinical testing. Allele origin: germline. Affected: yes. Study: VKGL Data-share Consensus. Not counted in ClinVar's aggregate classification.

Clinical Genetics, Academic Medical Center
Classification: Pathogenic. Review status: no assertion criteria provided. Collection method: clinical testing. Allele origin: germline. Affected: yes. Study: VKGL Data-share Consensus. Not counted in ClinVar's aggregate classification.

Department of Pathology and Laboratory Medicine, Sinai Health System
Classification: Pathogenic for Carcinoma of colon. Review status: no assertion criteria provided. Collection method: clinical testing. Allele origin: unknown. Affected: yes. Study: The Canadian Open Genetics Repository (COGR). Not counted in ClinVar's aggregate classification.
Comment: The MUTYH p.Ala385Profsx23 deletion variant was identified in 51 of 1892 proband chromosomes (frequency: 0.027) from individuals or families with adenomatous polyposis or colon cancer (Aretz 2006, Nielsen 2009, Ruggieri 2013, Sieber 2003, Vogt 2009). Of these probands, two individuals were homozygous for the variant and the remaining individuals were compound heterozygotes, harbouring a second MUTYH variant. The variant was previously identified by our laboratory in three individuals with adenomatous polyposis. The variant was also identified in HGMD, the â€šÃ„ÃºInSiGHT Colon Cancer Databaseâ€šÃ„Ã¹, and the ClinVar database (submitted by Inova Translational Medicine Institute, clinical significance not provided). The p.Ala385Profsx23 deletion variant is predicted to cause a frameshift, which alters the protein's amino acid sequence beginning at codon 385 and leads to a premature stop codon 23 codons downstream. This alteration is then predicted to result in a truncated or absent protein and loss of function. Loss of function variants in the MUTYH gene are an established mechanism of disease in MUTYH-associated polyposis. In addition, a cell line with the variant showed decreased levels of transcript and protein (Ruggieri 2013), and an in vitro study found that the variant protein had a lower molecular weight than wild-type protein and was devoid of glycosylase and DNA binding activities (Ali 2008). In summary, based on the above information, this variant meets our laboratoryâ€šÃ„Ã´s criteria to be classified as pathogenic.

Diagnostic Laboratory, Department of Genetics, University Medical Center Groningen
Classification: Pathogenic. Review status: no assertion criteria provided. Collection method: clinical testing. Allele origin: germline. Affected: yes. Study: VKGL Data-share Consensus. Not counted in ClinVar's aggregate classification.

GeneReviews
No classification provided. Condition: Familial adenomatous polyposis 2. Review status: no classification provided. Collection method: literature only. Allele origin: germline. Not counted in ClinVar's aggregate classification.
Comment: Common in northern European populations

Laboratory of Diagnostic Genome Analysis, Leiden University Medical Center (LUMC)
Classification: Pathogenic. Review status: no assertion criteria provided. Collection method: clinical testing. Allele origin: germline. Affected: yes. Study: VKGL Data-share Consensus. Not counted in ClinVar's aggregate classification.

Literature cited by the submitters: PubMed 24691292 (cited by 4 submitters); PubMed 18534194 (cited by 7 submitters); PubMed 15987719 (cited by 4 submitters); PubMed 23108399 (cited by 8 submitters); PubMed 20663686 (cited by Labcorp Genetics (formerly Invitae), Labcorp); PubMed 12606733 (cited by 6 submitters); PubMed 19732775 (cited by 6 submitters); PubMed 23561487 (cited by 5 submitters); PubMed 28944238 (cited by Center for Genomic Medicine, Rigshospitalet, Copenhagen University Hospital); PubMed 30953464 (cited by Center for Genomic Medicine, Rigshospitalet, Copenhagen University Hospital); PubMed 19032956 (cited by 4 submitters); PubMed 15635083 (cited by 3 submitters); PubMed 16140997 (cited by 4 submitters); PubMed 16557584 (cited by 4 submitters); PubMed 17368238 (cited by 3 submitters); PubMed 22266422 (cited by 3 submitters); PubMed 22865608 (cited by 4 submitters); PubMed 27829682 (cited by 5 submitters); PubMed 28502729 (cited by Color Diagnostics, LLC DBA Color Health and All of Us Research Program, National Institutes of Health); PubMed 33748650 (cited by Color Diagnostics, LLC DBA Color Health and All of Us Research Program, National Institutes of Health); PubMed 35668106 (cited by Color Diagnostics, LLC DBA Color Health and All of Us Research Program, National Institutes of Health); PubMed 23035301 (cited by Sema4 and GeneReviews); PubMed 18506705 (cited by Illumina Laboratory Services, Illumina); PubMed 19394335 (cited by Women's Health and Genetics/Laboratory Corporation of America, LabCorp and Pathway Genomics); PubMed 39825153 (cited by Solve-RD Consortium); PubMed 24728327 (cited by ITMI).